The following is an entry in ClinVar:

ClinVar aggregate classification (germline): Likely benign (1 of 4 stars; one submission).

Allele frequency attached by ClinVar (database versions not stated): gnomAD 0.00175; 1000 Genomes Project 30x 0.00187; gnomAD exomes 0.00190; ExAC 0.00202.
gnomAD v4.1: 2,955 of 1,584,726 alleles (0.19%); highest among the groups gnomAD compares: East Asian, 0.64%; 8 homozygotes.

Submission:

CeGaT Center for Human Genetics Tuebingen
Classification: Likely benign. Last evaluated: 2023-03-01. Review status: criteria provided, single submitter. Criteria: CeGaT Center For Human Genetics Tuebingen Variant Classification Criteria Version 2. Collection method: clinical testing. Allele origin: germline. Affected: yes. Observed: 1 variant allele.
Comment: TRIM49C: BP4, BP7

NM_001195234.1(TRIM49C):c.1044G>T (p.Gly348=)

Gene: TRIM49C (tripartite motif containing 49C; plus strand). Cytogenetic location: 11q14.3.
Variant type: single nucleotide variant.
Coding change: c.1044G>T on transcript NM_001195234.1 (MANE Select); coding-DNA position 1044, G replaced by T.
Protein change: p.Gly348=; no amino-acid change (glycine 348 retained).
Molecular consequence: synonymous variant.
Genome position (GRCh38, 1-based): chr11:90,041,235, G>T. VCF-style: chr11-90041235-G-T. GRCh37 (hg19) VCF-style: chr11-89774403-G-T.
Identifiers: ClinVar variation 2642261 (VCV002642261.24), dbSNP rs202068848, ClinGen allele CA6224305.